The following is an entry in ClinVar:

NM_152703.5(SAMD9L):c.4718T>C (p.Ile1573Thr)

Gene: SAMD9L (sterile alpha motif domain containing 9 like; minus strand). Cytogenetic location: 7q21.2.
Variant type: single nucleotide variant.
Coding change: c.4718T>C on transcript NM_152703.5 (MANE Select); coding-DNA position 4718, T replaced by C.
Protein change: p.Ile1573Thr; replaces isoleucine 1573 with threonine.
Molecular consequence: missense variant.
Genome position (GRCh38, 1-based): chr7:93,131,254, A>G on the plus strand (T>C on the coding strand, the complement: SAMD9L is on the minus strand). VCF-style: chr7-93131254-A-G. GRCh37 (hg19) VCF-style: chr7-92760567-A-G.
Other names: c.4718T>C, p.Ile1573Thr (NM_001303496.3, NM_001303497.3, NM_001303498.3 and 5 more transcripts); c.4718T>C (NM_152703.2); short protein forms I1573T.
Identifiers: ClinVar variation 1336548 (VCV001336548.10), dbSNP rs371764964, ClinGen allele CA4343255.

ClinVar aggregate classification (germline): Uncertain significance. Review status: criteria provided, multiple submitters, no conflicts (2 of 4 stars). 3 submissions from 3 submitters: Uncertain significance (3). Last evaluated 2025-09-24.

Conditions:
Inborn genetic diseases. Identifiers: MedGen C0950123, MeSH D030342.

Allele frequency attached by ClinVar (database versions not stated): TOPMed 0.00003; ESP Exome Variant Server 0.00008.

Submissions (3):

Labcorp Genetics (formerly Invitae), Labcorp
Classification: Uncertain significance. Last evaluated: 2025-09-24. Review status: criteria provided, single submitter. Criteria: Invitae Variant Classification Sherloc (09022015). Collection method: clinical testing. Allele origin: germline.
Comment: This sequence change replaces isoleucine, which is neutral and non-polar, with threonine, which is neutral and polar, at codon 1573 of the SAMD9L protein (p.Ile1573Thr). This variant is present in population databases (rs371764964, gnomAD 0.01%). This variant has not been reported in the literature in individuals affected with SAMD9L-related conditions. ClinVar contains an entry for this variant (Variation ID: 1336548). Invitae Evidence Modeling of protein sequence and biophysical properties (such as structural, functional, and spatial information, amino acid conservation, physicochemical variation, residue mobility, and thermodynamic stability) indicates that this missense variant is not expected to disrupt SAMD9L protein function with a negative predictive value of 80%. In summary, the available evidence is currently insufficient to determine the role of this variant in disease. Therefore, it has been classified as a Variant of Uncertain Significance.

Ambry Genetics
Classification: Uncertain significance for Inborn genetic diseases. Last evaluated: 2024-11-20. Review status: criteria provided, single submitter. Criteria: Ambry Variant Classification Scheme 2023. Collection method: clinical testing. Allele origin: germline.
Comment: The p.I1573T variant (also known as c.4718T>C), located in coding exon 1 of the SAMD9L gene, results from a T to C substitution at nucleotide position 4718. The isoleucine at codon 1573 is replaced by threonine, an amino acid with similar properties. This amino acid position is conserved. In addition, this alteration is predicted to be tolerated by in silico analysis. Based on the available evidence, the clinical significance of this variant remains unclear.

Genetic Services Laboratory, University of Chicago
Classification: Uncertain significance. Last evaluated: 2021-01-07. Review status: criteria provided, single submitter. Criteria: ACMG Guidelines, 2015. Collection method: clinical testing. Allele origin: germline. Affected: no.
Comment: DNA sequence analysis of the SAMD9L gene demonstrated a sequence change, c.4718T>C, in exon 5 that results in an amino acid change, p.Ile1573Thr. This sequence change does not appear to have been previously described in individuals with SAMD9L-related disorders and has been described in the gnomAD database in 7 individuals with an overall population frequency of 0.003% (dbSNP rs371764964). The p.Ile1573Thr change affects a moderately conserved amino acid residue located in a domain of the SAMD9L protein that is not known to be functional. In-silico pathogenicity prediction tools (SIFT, PolyPhen2, Align GVGD, REVEL) provide contradictory results for the p.Ile1573Thr substitution. Due to these contrasting evidences and the lack of functional studies, the clinical significance of the p.Ile1573Thr change remains unknown at this time.